The following is an entry in ClinVar:

NM_000057.4(BLM):c.2971del (p.Leu991fs)

Gene: BLM (BLM RecQ like helicase; plus strand). Cytogenetic location: 15q26.1.
Variant type: Deletion.
Coding change: c.2971del on transcript NM_000057.4 (MANE Select); coding-DNA position 2971, one base deleted (C; older notation c.2971delC).
Protein change: p.Leu991fs; shifts the reading frame from leucine 991.
Molecular consequence: frameshift variant.
Genome position (GRCh38, 1-based): chr15:90,790,796, C deleted. VCF-style (leftmost placement, unchanged base first): chr15-90790795-GC-G. GRCh37 (hg19) VCF-style: chr15-91334025-GC-G.
Other names: c.2971del, p.Leu991fs (NM_001287246.2, NM_001287247.2); c.1846del, p.Leu616fs (NM_001287248.2); short protein forms L616fs, L991fs.
Identifiers: ClinVar variation 3670399 (VCV003670399.2).

ClinVar aggregate classification (germline): Pathogenic (1 of 4 stars; one submission).

Conditions:
Bloom syndrome (BLM). Also called: Bloom-Torre-Machacek syndrome. Identifiers: Orphanet 125, MedGen C0005859, MONDO:0008876, OMIM 210900.

Submission:

Labcorp Genetics (formerly Invitae), Labcorp
Classification: Pathogenic for Bloom syndrome. Last evaluated: 2024-03-17. Review status: criteria provided, single submitter. Criteria: Invitae Variant Classification Sherloc (09022015). Collection method: clinical testing. Allele origin: germline.
Comment: This sequence change creates a premature translational stop signal (p.Leu991Phefs*8) in the BLM gene. It is expected to result in an absent or disrupted protein product. Loss-of-function variants in BLM are known to be pathogenic (PMID: 17407155). This variant is not present in population databases (gnomAD no frequency). This variant has not been reported in the literature in individuals affected with BLM-related conditions. Algorithms developed to predict the effect of sequence changes on RNA splicing suggest that this variant may disrupt the consensus splice site. For these reasons, this variant has been classified as Pathogenic.

Literature cited by the submitters: PubMed 17407155.